The following is an entry in ClinVar:

NM_005431.2(XRCC2):c.269T>C (p.Leu90Pro)

Gene: XRCC2 (X-ray repair cross complementing 2; minus strand). Cytogenetic location: 7q36.1.
Variant type: single nucleotide variant.
Coding change: c.269T>C on transcript NM_005431.2 (MANE Select); coding-DNA position 269, T replaced by C.
Protein change: p.Leu90Pro; replaces leucine 90 with proline.
Molecular consequence: missense variant.
Genome position (GRCh38, 1-based): chr7:152,649,216, A>G on the plus strand (T>C on the coding strand, the complement: XRCC2 is on the minus strand). VCF-style: chr7-152649216-A-G. GRCh37 (hg19) VCF-style: chr7-152346301-A-G.
Other names: short protein forms L90P.
Identifiers: ClinVar variation 3333536 (VCV003333536.1).

ClinVar aggregate classification (germline): Uncertain significance (1 of 4 stars; one submission).

Conditions:
Hereditary cancer-predisposing syndrome. Also called: Neoplastic Syndromes, Hereditary; Tumor predisposition; Hereditary neoplastic syndrome; Hereditary Cancer Syndrome. Identifiers: Orphanet 140162, MedGen C0027672, MeSH D009386, MONDO:0015356.

Submission:

Ambry Genetics
Classification: Uncertain significance for Hereditary cancer-predisposing syndrome. Last evaluated: 2024-03-30. Review status: criteria provided, single submitter. Criteria: Ambry Variant Classification Scheme 2023. Collection method: clinical testing. Allele origin: germline.
Comment: The p.L90P variant (also known as c.269T>C), located in coding exon 3 of the XRCC2 gene, results from a T to C substitution at nucleotide position 269. The leucine at codon 90 is replaced by proline, an amino acid with similar properties. This amino acid position is conserved. In addition, this alteration is predicted to be deleterious by in silico analysis. Based on the available evidence, the clinical significance of this alteration remains unclear.